The following is an entry in ClinVar:

ClinVar aggregate classification (germline): Uncertain significance (1 of 4 stars; one submission).

Conditions:
Inborn genetic diseases. Identifiers: MedGen C0950123, MeSH D030342.

gnomAD v4.1: 23 of 1,613,790 alleles (0.0014%); highest among the groups gnomAD compares: Non-Finnish European, 0.0019%; no homozygotes.

Submission:

Ambry Genetics
Classification: Uncertain significance for Inborn genetic diseases. Last evaluated: 2025-06-09. Review status: criteria provided, single submitter. Criteria: Ambry Variant Classification Scheme 2023. Collection method: clinical testing. Allele origin: germline.
Comment: The p.L270P variant (also known as c.809T>C), located in coding exon 9 of the FANCA gene, results from a T to C substitution at nucleotide position 809. The leucine at codon 270 is replaced by proline, an amino acid with similar properties. This amino acid position is conserved. In addition, this alteration is predicted to be deleterious by in silico analysis. Based on the available evidence, the clinical significance of this variant remains unclear.

NM_000135.4(FANCA):c.809T>C (p.Leu270Pro)

Gene: FANCA (FA complementation group A; minus strand). Cytogenetic location: 16q24.3.
Variant type: single nucleotide variant.
Coding change: c.809T>C on transcript NM_000135.4 (MANE Select); coding-DNA position 809, T replaced by C.
Protein change: p.Leu270Pro; replaces leucine 270 with proline.
Molecular consequence: missense variant.
Genome position (GRCh38, 1-based): chr16:89,799,622, A>G on the plus strand (T>C on the coding strand, the complement: FANCA is on the minus strand). VCF-style: chr16-89799622-A-G. GRCh37 (hg19) VCF-style: chr16-89866030-A-G.
Other names: c.809T>C, p.Leu270Pro (NM_001018112.3, NM_001286167.3); c.713T>C, p.Leu238Pro (NM_001351830.2); short protein forms L270P, L238P.
Identifiers: ClinVar variation 3848314 (VCV003848314.2).